The following is an entry in ClinVar:

ClinVar aggregate classification (germline): Uncertain significance (1 of 4 stars; one submission).

Conditions:
Multiple congenital anomalies-hypotonia-seizures syndrome 1 (MCAHS1). Also called: GLYCOSYLPHOSPHATIDYLINOSITOL BIOSYNTHESIS DEFECT 3; PIGN-CDG; Congenital disorder of glycosylation due to PIGN deficiency. Identifiers: Orphanet 280633, MedGen C3279775, MONDO:0013563, OMIM 614080.

Allele frequency attached by ClinVar (database versions not stated): gnomAD 0.00001; gnomAD exomes 0.00001.
gnomAD v4.1: 13 of 1,539,408 alleles (0.00084%); highest among the groups gnomAD compares: South Asian, 0.012%; no homozygotes.

Submission:

Labcorp Genetics (formerly Invitae), Labcorp
Classification: Uncertain significance for Multiple congenital anomalies-hypotonia-seizures syndrome 1. Last evaluated: 2022-08-16. Review status: criteria provided, single submitter. Criteria: Invitae Variant Classification Sherloc (09022015). Collection method: clinical testing. Allele origin: germline.
Comment: This sequence change replaces serine, which is neutral and polar, with leucine, which is neutral and non-polar, at codon 224 of the PIGN protein (p.Ser224Leu). The frequency data for this variant in the population databases is considered unreliable, as metrics indicate poor data quality at this position in the gnomAD database. This variant has not been reported in the literature in individuals affected with PIGN-related conditions. Algorithms developed to predict the effect of missense changes on protein structure and function are either unavailable or do not agree on the potential impact of this missense change (SIFT: "Not Available"; PolyPhen-2: "Probably Damaging"; Align-GVGD: "Not Available"). In summary, the available evidence is currently insufficient to determine the role of this variant in disease. Therefore, it has been classified as a Variant of Uncertain Significance.

NM_176787.5(PIGN):c.671C>T (p.Ser224Leu)

Gene: PIGN (phosphatidylinositol glycan anchor biosynthesis class N; minus strand). Cytogenetic location: 18q21.33.
Variant type: single nucleotide variant.
Coding change: c.671C>T on transcript NM_176787.5 (MANE Select); coding-DNA position 671, C replaced by T.
Protein change: p.Ser224Leu; replaces serine 224 with leucine.
Molecular consequence: missense variant.
Genome position (GRCh38, 1-based): chr18:62,148,217, G>A on the plus strand (C>T on the coding strand, the complement: PIGN is on the minus strand). VCF-style: chr18-62148217-G-A. GRCh37 (hg19) VCF-style: chr18-59815450-G-A.
Other names: c.671C>T, p.Ser224Leu (NM_012327.6); short protein forms S224L.
Identifiers: ClinVar variation 1896502 (VCV001896502.2), dbSNP rs1437127718, ClinGen allele CA402601938.
Genomic context (GRCh38, chr18:62,148,217, plus strand): 5'-AGTTCAATAGAATAGCTGTTGCCCTAAAAAATACAATTAAACACAATATTAAATTACCTC[G>A]AGGATGGTCGATGAGCATGTCCGTTTGTATCTATTCCTAATAAATGTAAGAAAAAAACTA-3'
Protein context (NP_789744.1, residues 214-234): DTNGHAHRPS[Ser224Leu]RDYKHNIKKV